The following is an entry in ClinVar:

ClinVar aggregate classification (germline): Uncertain significance. Review status: criteria provided, multiple submitters, no conflicts (2 of 4 stars). 3 submissions from 3 submitters: Uncertain significance (3). Last evaluated 2025-12-31.

Conditions:
Hereditary cancer-predisposing syndrome. Also called: Hereditary Cancer Syndrome; Neoplastic Syndromes, Hereditary; Hereditary neoplastic syndrome; Tumor predisposition. Identifiers: Orphanet 140162, MedGen C0027672, MeSH D009386, MONDO:0015356.
Birt-Hogg-Dube syndrome. Also called: Birt Hogg Dubé syndrome. Identifiers: Orphanet 122, MedGen C0346010, MONDO:0800444.

Allele frequency attached by ClinVar (database versions not stated): TOPMed below 0.00001; gnomAD 0.00001; gnomAD exomes 0.00001.
gnomAD v4.1: 9 of 1,613,712 alleles (0.00056%); highest among the groups gnomAD compares: East Asian, 0.0022%; no homozygotes.

Submissions (3):

Labcorp Genetics (formerly Invitae), Labcorp
Classification: Uncertain significance for Birt-Hogg-Dube syndrome. Last evaluated: 2025-12-31. Review status: criteria provided, single submitter. Criteria: Invitae Variant Classification Sherloc (09022015). Collection method: clinical testing. Allele origin: germline.
Comment: This sequence change replaces arginine, which is basic and polar, with glutamine, which is neutral and polar, at codon 414 of the FLCN protein (p.Arg414Gln). This variant is present in population databases (no rsID available, gnomAD 0.005%). This variant has not been reported in the literature in individuals affected with FLCN-related conditions. ClinVar contains an entry for this variant (Variation ID: 818689). Invitae Evidence Modeling of protein sequence and biophysical properties (such as structural, functional, and spatial information, amino acid conservation, physicochemical variation, residue mobility, and thermodynamic stability) indicates that this missense variant is not expected to disrupt FLCN protein function with a negative predictive value of 80%. In summary, the available evidence is currently insufficient to determine the role of this variant in disease. Therefore, it has been classified as a Variant of Uncertain Significance.

Ambry Genetics
Classification: Uncertain significance for Hereditary cancer-predisposing syndrome. Last evaluated: 2024-06-15. Review status: criteria provided, single submitter. Criteria: Ambry Variant Classification Scheme 2023. Collection method: clinical testing. Allele origin: germline.
Comment: The p.R414Q variant (also known as c.1241G>A), located in coding exon 8 of the FLCN gene, results from a G to A substitution at nucleotide position 1241. The arginine at codon 414 is replaced by glutamine, an amino acid with highly similar properties. This amino acid position is well conserved in available vertebrate species. In addition, the in silico prediction for this alteration is inconclusive. Since supporting evidence is limited at this time, the clinical significance of this alteration remains unclear.

GeneDx
Classification: Uncertain significance. Last evaluated: 2019-10-10. Review status: criteria provided, single submitter. Criteria: GeneDx Variant Classification Process June 2021. Collection method: clinical testing. Allele origin: germline. Affected: yes.
Comment: In silico analysis, which includes protein predictors and evolutionary conservation, supports that this variant does not alter protein structure/function; Has not been previously published as pathogenic or benign to our knowledge

NM_144997.7(FLCN):c.1241G>A (p.Arg414Gln)

Gene: FLCN (folliculin; minus strand). Cytogenetic location: 17p11.2.
Variant type: single nucleotide variant.
Coding change: c.1241G>A on transcript NM_144997.7 (MANE Select); coding-DNA position 1241, G replaced by A.
Protein change: p.Arg414Gln; replaces arginine 414 with glutamine.
Molecular consequence: missense variant.
Genome position (GRCh38, 1-based): chr17:17,216,439, C>T on the plus strand (G>A on the coding strand, the complement: FLCN is on the minus strand). VCF-style: chr17-17216439-C-T. GRCh37 (hg19) VCF-style: chr17-17119753-C-T.
Other names: c.1295G>A, p.Arg432Gln (NM_001353229.2); c.1241G>A, p.Arg414Gln (NM_001353230.2, NM_001353231.2); short protein forms R414Q, R432Q.
Identifiers: ClinVar variation 818689 (VCV000818689.13), dbSNP rs1363880753, ClinGen allele CA398531781.